The following is an entry in ClinVar:

NM_003239.5(TGFB3):c.412T>G (p.Ser138Ala)

Gene: TGFB3 (transforming growth factor beta 3; minus strand). Cytogenetic location: 14q24.3.
Variant type: single nucleotide variant.
Coding change: c.412T>G on transcript NM_003239.5 (MANE Select); coding-DNA position 412, T replaced by G.
Protein change: p.Ser138Ala; replaces serine 138 with alanine.
Molecular consequence: missense variant.
Genome position (GRCh38, 1-based): chr14:75,971,659, A>C on the plus strand (T>G on the coding strand, the complement: TGFB3 is on the minus strand). VCF-style: chr14-75971659-A-C. GRCh37 (hg19) VCF-style: chr14-76438002-A-C.
Other names: c.412T>G, p.Ser138Ala (NM_001329938.2, NM_001329939.2); short protein forms S138A.
Identifiers: ClinVar variation 239520 (VCV000239520.65), dbSNP rs201453600, ClinGen allele CA7280452.
Genomic context (GRCh38, chr14:75,971,659, plus strand): 5'-TGGGCACCCGCAAGACCCGGAATTCTGCTCGGAATAGGTTGGTTCTATTTTTCTCCACTG[A>C]GGACACATTGAAGCGGAAAACCTTGGAGGTAATTCCTTTAGGGCAGACAGCCAGTTCGTC-3'
Protein context (NP_003230.1, residues 128-148): TSKVFRFNVS[Ser138Ala]VEKNRTNLFR

ClinVar aggregate classification (germline): Conflicting classifications of pathogenicity. Review status: criteria provided, conflicting classifications (1 of 4 stars). 15 submissions from 15 submitters: Uncertain significance (5); Likely benign (7). 3 of the submissions do not count toward it. Last evaluated 2026-07-10.

Conditions:
TGFB3-related disorder. Also called: TGFB3-related condition.
Familial thoracic aortic aneurysm and aortic dissection (TAAD). Also called: Thoracic aortic aneurysms and dissections. Identifiers: Orphanet 91387, MedGen C4707243, MONDO:0019625.
Rienhoff syndrome. Also called: LOEYS-DIETZ SYNDROME 5. Identifiers: MedGen C3810012, MONDO:0014262, OMIM 615582.

Allele frequency attached by ClinVar (database versions not stated): gnomAD exomes 0.00011 and 0.00016; ExAC 0.00012; TOPMed 0.00012; gnomAD 0.00016 and 0.00018.

Submissions (15):

Victorian Clinical Genetics Services, Murdoch Childrens Research Institute
Classification: Likely benign for Rienhoff syndrome. Last evaluated: 2026-07-10. Review status: criteria provided, single submitter. Criteria: ACMG Guidelines, 2015. Collection method: clinical testing. Allele origin: germline. Affected: yes.
Comment: This variant is classified as Likely benign. Evidence in support of pathogenic classification: Variant is present in gnomAD <0.001 for a dominant condition (v4: 253 heterozygote(s), 0 homozygote(s)). Evidence in support of benign classification: Missense variant predicted to be tolerated by in silico tool(s) or not conserved in placental mammals with a minor amino acid change. Additional information: Variant is predicted to result in a missense amino acid change from Ser to Ala; This variant is heterozygous; This gene is associated with autosomal dominant disease; Previous reports of pathogenicity for this variant are conflicting. This variant has been classified as a VUS and likely benign by clinical laboratories in ClinVar. It has been reported in an individual with SUDEP, two individuals from a cardiomyopathy and arrhythmia cohort, and one individual from a connective tissue disorder cohort (PMID: 38756210, 35947370, 29907982). Additionally, it has been reported in a proband with spontaneous coronary artery dissection and their affected uncle with aortic dissection (PMID: 40194966); No published functional evidence has been identified for this variant; No comparable missense variants have previous evidence for pathogenicity; Variant is located in the annotated TGF-beta propeptide domain (DECIPHER); Loss of function is a known mechanism of disease in this gene and is associated with Loeys-Dietz syndrome 5 (MIM#615582). Dominant negative has been shown for a missense variant (PMID: 23824657). Increased TGFB signalling has also been reported however the exact mechanism is unclear (PMID: 25835445); Inheritance information for this variant is not currently available in this individual.

Labcorp Genetics (formerly Invitae), Labcorp
Classification: Uncertain significance for Rienhoff syndrome. Last evaluated: 2025-12-20. Review status: criteria provided, single submitter. Criteria: Invitae Variant Classification Sherloc (09022015). Collection method: clinical testing. Allele origin: germline.
Comment: This sequence change replaces serine, which is neutral and polar, with alanine, which is neutral and non-polar, at codon 138 of the TGFB3 protein (p.Ser138Ala). This variant is present in population databases (rs201453600, gnomAD 0.03%). This missense change has been observed in individual(s) with TGFB3-related disease (PMID: 29907982). ClinVar contains an entry for this variant (Variation ID: 239520). Invitae Evidence Modeling of protein sequence and biophysical properties (such as structural, functional, and spatial information, amino acid conservation, physicochemical variation, residue mobility, and thermodynamic stability) indicates that this missense variant is not expected to disrupt TGFB3 protein function with a negative predictive value of 80%. In summary, the available evidence is currently insufficient to determine the role of this variant in disease. Therefore, it has been classified as a Variant of Uncertain Significance.

PreventionGenetics, part of Exact Sciences
Classification: Uncertain significance for TGFB3-related condition. Last evaluated: 2025-09-26. Review status: criteria provided, single submitter. Criteria: ACMG Guidelines, 2015. Collection method: clinical testing. Allele origin: germline.
Comment: The TGFB3 c.412T>G variant is predicted to result in the amino acid substitution p.Ser138Ala. This variant was reported as variant of unknown significance in an individual with suspected heritable thoracic aortic disorder (Overwater et al 2018. PubMed ID: 29907982 Table S1), in an individual with arrhythmogenic cardiomyopathy as well as a healthy control (Table S5, Goudal et al. 2022. PubMed ID: 35819174). This variant is reported in 0.025% of alleles in individuals of European (Non-Finnish) descent in gnomAD. At this time, the clinical significance of this variant is uncertain due to the absence of conclusive functional and genetic evidence.

CeGaT Center for Human Genetics Tuebingen
Classification: Likely benign. Last evaluated: 2025-09-01. Review status: criteria provided, single submitter. Criteria: CeGaT Center For Human Genetics Tuebingen Variant Classification Criteria Version 2. Collection method: clinical testing. Allele origin: germline. Affected: yes. Observed: 3 variant alleles.
Comment: TGFB3: BP4

Women's Health and Genetics/Laboratory Corporation of America, LabCorp
Classification: Likely benign. Last evaluated: 2025-04-25. Review status: criteria provided, single submitter. Criteria: LabCorp Variant Classification Summary - May 2015. Collection method: clinical testing. Allele origin: germline.
Comment: Variant summary: TGFB3 c.412T>G (p.Ser138Ala) results in a conservative amino acid change located in the TGF-beta, propeptide domain of the encoded protein sequence. Four of five in-silico tools predict a benign effect of the variant on protein function. The variant allele was found at a frequency of 0.00011 in 251440 control chromosomes, predominantly at a frequency of 0.00024 within the Non-Finnish European subpopulation in the gnomAD database. The observed variant frequency within Non-Finnish European control individuals in the gnomAD database is approximately 24 fold of the estimated maximal expected allele frequency for a pathogenic variant in TGFB3 causing Arrhythmia phenotype (1e-05). c.412T>G has been observed in individual(s) affected with Arrhythmia. These report(s) do not provide unequivocal conclusions about association of the variant with Arrhythmia. To our knowledge, no experimental evidence demonstrating an impact on protein function has been reported. ClinVar contains an entry for this variant (Variation ID: 239520). Based on the evidence outlined above, the variant was classified as likely benign.

Laboratory of Genetics, Children's Clinical University Hospital Latvia
Classification: Likely benign. Last evaluated: 2025-02-16. Review status: criteria provided, single submitter. Criteria: ACMG Guidelines, 2015. Collection method: clinical testing. Allele origin: germline. Affected: yes.

Blueprint Genetics
Classification: Likely benign. Last evaluated: 2024-11-11. Review status: criteria provided, single submitter. Criteria: ACMG Guidelines, 2015. Collection method: clinical testing. Allele origin: germline.

ARUP Laboratories, Molecular Genetics and Genomics, ARUP Laboratories
Classification: Uncertain significance. Last evaluated: 2024-09-05. Review status: criteria provided, single submitter. Criteria: ARUP Molecular Germline Variant Investigation Process 2024. Collection method: clinical testing. Allele origin: germline.
Comment: The TGFB3 c.412T>G; p.Ser138Ala variant (rs201453600; ClinVar Variation ID: 239520) is reported in the literature in an individual affected with a suspected heritable thoracic aortic disorder, although its clinical significance was not certain (Overwater 2018). This variant was also reported in an individual with arrhythmogenic cardiomyopathy but was also identified in a healthy control (Goudal 2022). This variant is observed in the non-Finnish European population with an overall allele frequency of 0.02% (32/129150 alleles) in the Genome Aggregation Database (v2.1.1). Computational analyses predict that this variant is neutral (REVEL: 0.066). However, due to limited information, the clinical significance of the p.Ser138Ala variant is uncertain at this time. References: Goudal A et al. Burden of rare variants in arrhythmogenic cardiomyopathy with right dominant form-associated genes provides new insights for molecular diagnosis and clinical management. Hum Mutat. 2022 Sep;43(9):1333-1342. PMID: 35819174. Overwater E et al. Results of next-generation sequencing gene panel diagnostics including copy-number variation analysis in 810 patients suspected of heritable thoracic aortic disorders. Hum Mutat. 2018 Sep;39(9):1173-1192. PMID: 29907982.

Ambry Genetics
Classification: Likely benign for Familial thoracic aortic aneurysm and aortic dissection. Last evaluated: 2024-03-07. Review status: criteria provided, single submitter. Criteria: Ambry Variant Classification Scheme 2023. Collection method: clinical testing. Allele origin: germline.

GeneDx
Classification: Likely benign. Last evaluated: 2023-10-03. Review status: criteria provided, single submitter. Criteria: GeneDx Variant Classification Process June 2021. Collection method: clinical testing. Allele origin: germline. Affected: yes.
Comment: See Variant Classification Assertion Criteria.

CHEO Genetics Diagnostic Laboratory, Children's Hospital of Eastern Ontario
Classification: Uncertain significance for Familial thoracic aortic aneurysm and aortic dissection. Last evaluated: 2019-01-17. Review status: criteria provided, single submitter. Criteria: ACMG Guidelines, 2015. Collection method: clinical testing. Allele origin: germline.

Center for Human Genetics, Inc
Classification: Uncertain significance for Rienhoff syndrome. Last evaluated: 2016-11-01. Review status: criteria provided, single submitter. Criteria: ACMG Guidelines, 2015. Collection method: clinical testing. Allele origin: germline. Affected: yes.

Clinical Genetics DNA and cytogenetics Diagnostics Lab, Erasmus MC, Erasmus Medical Center
Classification: Uncertain significance. Review status: no assertion criteria provided. Collection method: clinical testing. Allele origin: germline. Affected: yes. Study: VKGL Data-share Consensus. Not counted in ClinVar's aggregate classification.

Genome Diagnostics Laboratory, Amsterdam University Medical Center
Classification: Uncertain significance. Review status: no assertion criteria provided. Collection method: clinical testing. Allele origin: germline. Affected: yes. Study: VKGL Data-share Consensus. Not counted in ClinVar's aggregate classification.

Genome Diagnostics Laboratory, University Medical Center Utrecht
Classification: Uncertain significance. Review status: no assertion criteria provided. Collection method: clinical testing. Allele origin: germline. Affected: yes. Study: VKGL Data-share Consensus. Not counted in ClinVar's aggregate classification.

Literature cited by the submitters: PubMed 23824657 (cited by Victorian Clinical Genetics Services, Murdoch Childrens Research Institute); PubMed 35947370 (cited by Victorian Clinical Genetics Services, Murdoch Childrens Research Institute); PubMed 29907982 (cited by 4 submitters); PubMed 40194966 (cited by Victorian Clinical Genetics Services, Murdoch Childrens Research Institute); PubMed 25835445 (cited by Victorian Clinical Genetics Services, Murdoch Childrens Research Institute); PubMed 38756210 (cited by Victorian Clinical Genetics Services, Murdoch Childrens Research Institute); PubMed 35819174 (cited by Ambry Genetics).